The following is an entry in ClinVar:

NM_001184900.3(CARD8):c.682T>C (p.Trp228Arg)

Gene: CARD8 (caspase recruitment domain family member 8; minus strand). Cytogenetic location: 19q13.33.
Variant type: single nucleotide variant.
Coding change: c.682T>C on transcript NM_001184900.3 (MANE Select); coding-DNA position 682, T replaced by C.
Protein change: p.Trp228Arg; replaces tryptophan 228 with arginine.
Molecular consequence: missense variant. On other transcripts: non-coding transcript variant (4).
Genome position (GRCh38, 1-based): chr19:48,230,867, A>G on the plus strand (T>C on the coding strand, the complement: CARD8 is on the minus strand). VCF-style: chr19-48230867-A-G. GRCh37 (hg19) VCF-style: chr19-48734124-A-G.
Other names: c.532T>C, p.Trp178Arg (NM_001184901.1, NM_001351783.2, NM_001351788.2 and 2 more transcripts); c.682T>C, p.Trp228Arg (NM_001184902.2, NM_001184903.1, NM_001351782.2); c.367T>C, p.Trp123Arg (NM_001351784.2, NM_001351787.2, NM_001351791.2 and 2 more transcripts); c.346T>C, p.Trp116Arg (NM_001351786.2); c.439T>C, p.Trp147Arg (NM_001351790.2); short protein forms W123R, W147R, W228R, W116R, W178R.
Identifiers: ClinVar variation 3685290 (VCV003685290.2).

ClinVar aggregate classification (germline): Uncertain significance (1 of 4 stars; one submission).

gnomAD v4.1: 9 of 1,614,146 alleles (0.00056%); highest among the groups gnomAD compares: Non-Finnish European, 0.00076%; no homozygotes.

Submission:

Labcorp Genetics (formerly Invitae), Labcorp
Classification: Uncertain significance. Last evaluated: 2024-10-01. Review status: criteria provided, single submitter. Criteria: Invitae Variant Classification Sherloc (09022015). Collection method: clinical testing. Allele origin: germline.
Comment: This sequence change replaces tryptophan, which is neutral and slightly polar, with arginine, which is basic and polar, at codon 178 of the CARD8 protein (p.Trp178Arg). This variant is present in population databases (rs761677875, gnomAD 0.002%). This variant has not been reported in the literature in individuals affected with CARD8-related conditions. An algorithm developed to predict the effect of missense changes on protein structure and function (PolyPhen-2) suggests that this variant is likely to be tolerated. In summary, the available evidence is currently insufficient to determine the role of this variant in disease. Therefore, it has been classified as a Variant of Uncertain Significance.